The following is an entry in ClinVar:

ClinVar aggregate classification (germline): Uncertain significance. Review status: criteria provided, multiple submitters, no conflicts (2 of 4 stars). 2 submissions from 2 submitters: Uncertain significance (2). Last evaluated 2024-06-05.

Conditions:
Inborn genetic diseases. Identifiers: MedGen C0950123, MeSH D030342.
Immunodeficiency-centromeric instability-facial anomalies syndrome 2 (ICF2). Identifiers: Orphanet 2268, MedGen C3279748, MONDO:0013553, OMIM 614069.

Allele frequency attached by ClinVar (database versions not stated): gnomAD exomes 0.00002; TOPMed below 0.00001; ExAC 0.00003.
gnomAD v4.1: 19 of 1,614,130 alleles (0.0012%); highest among the groups gnomAD compares: South Asian, 0.011%; no homozygotes.

Submissions (2):

Labcorp Genetics (formerly Invitae), Labcorp
Classification: Uncertain significance for Immunodeficiency-centromeric instability-facial anomalies syndrome 2. Last evaluated: 2024-06-05. Review status: criteria provided, single submitter. Criteria: Invitae Variant Classification Sherloc (09022015). Collection method: clinical testing. Allele origin: germline.
Comment: This sequence change replaces threonine, which is neutral and polar, with alanine, which is neutral and non-polar, at codon 690 of the ZBTB24 protein (p.Thr690Ala). This variant is present in population databases (rs756260680, gnomAD 0.007%). This variant has not been reported in the literature in individuals affected with ZBTB24-related conditions. ClinVar contains an entry for this variant (Variation ID: 572865). Algorithms developed to predict the effect of missense changes on protein structure and function output the following: SIFT: "Not Available"; PolyPhen-2: "Benign"; Align-GVGD: "Not Available". The alanine amino acid residue is found in multiple mammalian species, which suggests that this missense change does not adversely affect protein function. In summary, the available evidence is currently insufficient to determine the role of this variant in disease. Therefore, it has been classified as a Variant of Uncertain Significance.

Ambry Genetics
Classification: Uncertain significance for Inborn genetic diseases. Last evaluated: 2021-07-08. Review status: criteria provided, single submitter. Criteria: Ambry Variant Classification Scheme 2023. Collection method: clinical testing. Allele origin: germline.

NM_014797.3(ZBTB24):c.2068A>G (p.Thr690Ala)

Genes: MICAL1 (microtubule associated monooxygenase, calponin and LIM domain containing 1; minus strand), ZBTB24 (zinc finger and BTB domain containing 24; minus strand). Cytogenetic location: 6q21.
Variant type: single nucleotide variant.
Coding change: c.2068A>G on transcript NM_014797.3 (MANE Select); coding-DNA position 2068, A replaced by G.
Protein change: p.Thr690Ala; replaces threonine 690 with alanine.
Molecular consequence: missense variant. On other transcripts: 5 prime UTR variant (1).
Genome position (GRCh38, 1-based): chr6:109,465,877, T>C on the plus strand (A>G on the coding strand, the complement: ZBTB24 is on the minus strand). VCF-style: chr6-109465877-T-C. GRCh37 (hg19) VCF-style: chr6-109787080-T-C.
Other names: c.-200A>G (NM_001286613.2); short protein forms T690A.
Identifiers: ClinVar variation 572865 (VCV000572865.9), dbSNP rs756260680, ClinGen allele CA3953961.
Genomic context (GRCh38, chr6:109,465,877, plus strand): 5'-AGAGCCCAATCAAGCAGTCAAACGTGTTTACAGGTCAGCTCTGCTCCTGGCCAAGTGGCG[T>C]TGGCTGGGGCACGTGGTGAGTGGGTGGTGGCGGACCAGGCTCCTGTGTCAGCTGCAGGTG-3'
Protein context (NP_055612.2, residues 680-697): PPPTHHVPQP[Thr690Ala]PLGQEQS